The following is an entry in ClinVar:

ClinVar aggregate classification (germline): Conflicting classifications of pathogenicity. Review status: criteria provided, conflicting classifications (1 of 4 stars). 4 submissions from 4 submitters: Uncertain significance (2); Likely benign (2). Last evaluated 2025-08-11.

Conditions:
Parathyroid carcinoma (PRTC). Also called: CDC73-Related Parathyroid Carcinoma; Parathyroid gland carcinoma. Identifiers: Orphanet 143, MedGen C0687150, MONDO:0012004, OMIM 608266, HP:0006780.
Hyperparathyroidism 1 (HRPT1). Also called: HYPERPARATHYROIDISM, FAMILIAL ISOLATED PRIMARY. Identifiers: Orphanet 99879, MedGen C1840402, MONDO:0007767, OMIM 145000.
Hyperparathyroidism 2 with jaw tumors. Also called: Hyperparathyroidism 2; HYPERPARATHYROIDISM, FAMILIAL PRIMARY, WITH MULTIPLE OSSIFYING JAW FIBROMAS; HYPERPARATHYROIDISM-JAW TUMOR SYNDROME, HEREDITARY; Hyperparathyroidism-Jaw Tumor Syndrome. Identifiers: Orphanet 99880, MedGen C1704981, MONDO:0007768, OMIM 145001.
Hereditary cancer-predisposing syndrome. Also called: Hereditary Cancer Syndrome; Tumor predisposition; Neoplastic Syndromes, Hereditary; Hereditary neoplastic syndrome. Identifiers: Orphanet 140162, MedGen C0027672, MeSH D009386, MONDO:0015356.

Allele frequency attached by ClinVar (database versions not stated): gnomAD exomes below 0.00001; TOPMed below 0.00001; gnomAD 0.00001.
gnomAD v4.1: 2 of 1,577,972 alleles (0.00013%); highest among the groups gnomAD compares: Non-Finnish European, 0.00017%; no homozygotes.

Submissions (4):

Labcorp Genetics (formerly Invitae), Labcorp
Classification: Likely benign for Parathyroid carcinoma. Last evaluated: 2025-08-11. Review status: criteria provided, single submitter. Criteria: Invitae Variant Classification Sherloc (09022015). Collection method: clinical testing. Allele origin: germline.

Ambry Genetics
Classification: Likely benign for Hereditary cancer-predisposing syndrome. Last evaluated: 2025-03-12. Review status: criteria provided, single submitter. Criteria: Ambry Variant Classification Scheme 2023. Collection method: clinical testing. Allele origin: germline.

GeneDx
Classification: Uncertain significance. Last evaluated: 2025-03-11. Review status: criteria provided, single submitter. Criteria: GeneDx Variant Classification Process June 2021. Collection method: clinical testing. Allele origin: germline. Affected: yes.
Comment: Not observed at significant frequency in large population cohorts (gnomAD); Has not been previously published as pathogenic or benign to our knowledge; In silico analysis is inconclusive as to whether the variant alters gene splicing. In the absence of RNA/functional studies, the actual effect of this sequence change is unknown.

Fulgent Genetics
Classification: Uncertain significance for Hyperparathyroidism 1; Hyperparathyroidism 2 with jaw tumors; Parathyroid carcinoma. Last evaluated: 2021-11-16. Review status: criteria provided, single submitter. Criteria: ACMG Guidelines, 2015. Collection method: clinical testing. Allele origin: unknown.

NM_024529.5(CDC73):c.1066+5G>A

Gene: CDC73 (cell division cycle 73; plus strand). Cytogenetic location: 1q31.2.
Variant type: single nucleotide variant.
Coding change: c.1066+5G>A on transcript NM_024529.5 (MANE Select); 5 bases into the intron after coding-DNA position 1066, G replaced by A.
Molecular consequence: intron variant.
Genome position (GRCh38, 1-based): chr1:193,212,105, G>A. VCF-style: chr1-193212105-G-A. GRCh37 (hg19) VCF-style: chr1-193181235-G-A.
Identifiers: ClinVar variation 649933 (VCV000649933.14), dbSNP rs1018448425, ClinGen allele CA35098868.